The following is an entry in ClinVar:

NM_199420.4(POLQ):c.2825C>T (p.Thr942Ile)

Gene: POLQ (DNA polymerase theta; minus strand). Cytogenetic location: 3q13.33.
Variant type: single nucleotide variant.
Coding change: c.2825C>T on transcript NM_199420.4 (MANE Select); coding-DNA position 2825, C replaced by T.
Protein change: p.Thr942Ile; replaces threonine 942 with isoleucine.
Molecular consequence: missense variant.
Genome position (GRCh38, 1-based): chr3:121,490,106, G>A on the plus strand (C>T on the coding strand, the complement: POLQ is on the minus strand). VCF-style: chr3-121490106-G-A. GRCh37 (hg19) VCF-style: chr3-121208953-G-A.
Other names: short protein forms T942I.
Identifiers: ClinVar variation 1796497 (VCV001796497.2), dbSNP rs1000693658, ClinGen allele CA354104404.

ClinVar aggregate classification (germline): Uncertain significance (1 of 4 stars; one submission).

gnomAD v4.1: 2 of 1,600,112 alleles (0.00012%); highest among the groups gnomAD compares: East Asian, 0.0022%; no homozygotes.

Submission:

Ambry Genetics
Classification: Uncertain significance. Last evaluated: 2023-12-11. Review status: criteria provided, single submitter. Criteria: Ambry Variant Classification Scheme 2023. Collection method: clinical testing. Allele origin: germline.
Comment: The p.T942I variant (also known as c.2825C>T), located in coding exon 16 of the POLQ gene, results from a C to T substitution at nucleotide position 2825. The threonine at codon 942 is replaced by isoleucine, an amino acid with similar properties. This amino acid position is conserved. In addition, this alteration is predicted to be tolerated by in silico analysis. Since supporting evidence is limited at this time, the clinical significance of this alteration remains unclear.